The following is an entry in ClinVar:

NM_001080453.3(INTS1):c.3338C>T (p.Ser1113Leu)

Gene: INTS1 (integrator complex subunit 1; minus strand). Cytogenetic location: 7p22.3.
Variant type: single nucleotide variant.
Coding change: c.3338C>T on transcript NM_001080453.3 (MANE Select); coding-DNA position 3338, C replaced by T.
Protein change: p.Ser1113Leu; replaces serine 1113 with leucine.
Molecular consequence: missense variant.
Genome position (GRCh38, 1-based): chr7:1,484,094, G>A on the plus strand (C>T on the coding strand, the complement: INTS1 is on the minus strand). VCF-style: chr7-1484094-G-A. GRCh37 (hg19) VCF-style: chr7-1523730-G-A.
Other names: short protein forms S1113L.
Identifiers: ClinVar variation 2412903 (VCV002412903.4), dbSNP rs369398736, ClinGen allele CA4119360.
Genomic context (GRCh38, chr7:1,484,094, plus strand): 5'-TGCCGCATGCGCCTCACGTAGCGTGAGAAGATGGACAACAGAGCGCTCAGCACGGCGTCC[G>A]ACGCGGCACTCGGGGAGAGCTTCGAGAAGAGGTGGGACATGATGGTGGAGCGCTCCACGA-3'
Protein context (NP_001073922.2, residues 1103-1123): LFSKLSPSAA[Ser1113Leu]DAVLSALLSI

ClinVar aggregate classification (germline): Uncertain significance (1 of 4 stars; one submission).

Allele frequency attached by ClinVar (database versions not stated): TOPMed 0.00001; ExAC 0.00002; ESP Exome Variant Server 0.00008; gnomAD exomes 0.00001; gnomAD 0.00003.
gnomAD v4.1: 17 of 1,612,432 alleles (0.0011%); highest among the groups gnomAD compares: Admixed American, 0.0033%; no homozygotes.

Submission:

GeneDx
Classification: Uncertain significance. Last evaluated: 2025-01-03. Review status: criteria provided, single submitter. Criteria: GeneDx Variant Classification Process June 2021. Collection method: clinical testing. Allele origin: germline.
Comment: In silico analysis indicates that this missense variant does not alter protein structure/function; Has not been previously published as pathogenic or benign to our knowledge